The following is an entry in ClinVar:

NM_001037.5(SCN1B):c.448+330A>G

Gene: SCN1B (sodium voltage-gated channel beta subunit 1; plus strand). Cytogenetic location: 19q13.11.
Variant type: single nucleotide variant.
Coding change: c.448+330A>G on transcript NM_001037.5 (MANE Select); 330 bases into the intron after coding-DNA position 448, A replaced by G.
Molecular consequence: intron variant. On other transcripts: missense variant (1).
Genome position (GRCh38, 1-based): chr19:35,034,069, A>G. VCF-style: chr19-35034069-A-G. GRCh37 (hg19) VCF-style: chr19-35524973-A-G.
Other names: c.778A>G, p.Ile260Val (NM_199037.5); c.349+330A>G (NM_001321605.2); short protein forms I260V.
Identifiers: ClinVar variation 1464651 (VCV001464651.8), dbSNP rs2151746720, ClinGen allele CA405329833.
Genomic context (GRCh38, chr19:35,034,069, plus strand): 5'-TCTGGCAGGTGCCTTCTGTCTCTGAGCCAAAGGGTTGTCCTGGGCTTGCCCGGGATAATA[A>G]TCCGATGTGTTTCTCGGGGTGTGGTTTGAGCCATTCTTCCATCATGGGGTTCATGAGGAT-3'

ClinVar aggregate classification (germline): Uncertain significance (1 of 4 stars; one submission).

Conditions:
Brugada syndrome 5 (BRGDA5). Identifiers: Orphanet 130, Orphanet 871, MedGen C2748541, MONDO:0013015, OMIM 612838.

Submission:

Labcorp Genetics (formerly Invitae), Labcorp
Classification: Uncertain significance for Brugada syndrome 5. Last evaluated: 2024-05-29. Review status: criteria provided, single submitter. Criteria: Invitae Variant Classification Sherloc (09022015). Collection method: clinical testing. Allele origin: germline.
Comment: This sequence change replaces isoleucine, which is neutral and non-polar, with valine, which is neutral and non-polar, at codon 260 of the SCN1B protein (p.Ile260Val). This variant is not present in population databases (gnomAD no frequency). This variant has not been reported in the literature in individuals affected with SCN1B-related conditions. ClinVar contains an entry for this variant (Variation ID: 1464651). Algorithms developed to predict the effect of missense changes on protein structure and function output the following: SIFT: "Not Available"; PolyPhen-2: "Benign"; Align-GVGD: "Not Available". The valine amino acid residue is found in multiple mammalian species, which suggests that this missense change does not adversely affect protein function. In summary, the available evidence is currently insufficient to determine the role of this variant in disease. Therefore, it has been classified as a Variant of Uncertain Significance.